The following is an entry in ClinVar:

ClinVar aggregate classification (germline): Uncertain significance. Review status: criteria provided, multiple submitters, no conflicts (2 of 4 stars). 7 submissions from 7 submitters: Uncertain significance (6). 1 of the submissions does not count toward it. Last evaluated 2025-11-02.

Conditions:
COG7 congenital disorder of glycosylation (CDG2E). Also called: CONGENITAL DISORDER OF GLYCOSYLATION, TYPE IIe; CDG IIe. Identifiers: Orphanet 79333, MedGen C2931010, MONDO:0012118, OMIM 608779.
Inborn genetic diseases. Identifiers: MedGen C0950123, MeSH D030342.
COG7-related disorder. Also called: COG7-related condition.

Allele frequency attached by ClinVar (database versions not stated): 1000 Genomes Project 30x 0.00016; 1000 Genomes Project 0.00020; ExAC 0.00021; gnomAD 0.00022 and 0.00023; TOPMed 0.00022; gnomAD exomes 0.00024 and 0.00050; ESP Exome Variant Server 0.00054.
gnomAD v4.1: 771 of 1,614,052 alleles (0.048%); highest among the groups gnomAD compares: Non-Finnish European, 0.059%; no homozygotes.

Submissions (7):

Mayo Clinic Laboratories, Mayo Clinic
Classification: Uncertain significance. Last evaluated: 2025-11-02. Review status: criteria provided, single submitter. Criteria: ACMG Guidelines, 2015. Collection method: clinical testing. Allele origin: germline. Observed: 1 variant allele.

Women's Health and Genetics/Laboratory Corporation of America, LabCorp
Classification: Uncertain significance. Last evaluated: 2023-01-31. Review status: criteria provided, single submitter. Criteria: LabCorp Variant Classification Summary - May 2015. Collection method: clinical testing. Allele origin: germline.
Comment: Variant summary: COG7 c.86C>T (p.Ala29Val) results in a non-conservative amino acid change in the encoded protein sequence. Four of five in-silico tools predict a damaging effect of the variant on protein function. The variant allele was found at a frequency of 0.00024 in 251150 control chromosomes (gnomAD). To our knowledge, no occurrence of c.86C>T in individuals affected with COG7 Congenital Disorder Of Glycosylation and no experimental evidence demonstrating its impact on protein function have been reported. Three clinical diagnostic laboratories have submitted clinical-significance assessments for this variant to ClinVar after 2014 and all classified the variant as uncertain significance. Based on the evidence outlined above, the variant was classified as uncertain significance.

Labcorp Genetics (formerly Invitae), Labcorp
Classification: Uncertain significance for COG7 congenital disorder of glycosylation. Last evaluated: 2022-09-01. Review status: criteria provided, single submitter. Criteria: Invitae Variant Classification Sherloc (09022015). Collection method: clinical testing. Allele origin: germline.
Comment: This sequence change replaces alanine, which is neutral and non-polar, with valine, which is neutral and non-polar, at codon 29 of the COG7 protein (p.Ala29Val). This variant is present in population databases (rs146918812, gnomAD 0.06%). This variant has not been reported in the literature in individuals affected with COG7-related conditions. ClinVar contains an entry for this variant (Variation ID: 318494). Algorithms developed to predict the effect of missense changes on protein structure and function are either unavailable or do not agree on the potential impact of this missense change (SIFT: "Deleterious"; PolyPhen-2: "Benign"; Align-GVGD: "Class C0"). In summary, the available evidence is currently insufficient to determine the role of this variant in disease. Therefore, it has been classified as a Variant of Uncertain Significance.

Ambry Genetics
Classification: Uncertain significance for Inborn genetic diseases. Last evaluated: 2021-08-12. Review status: criteria provided, single submitter. Criteria: Ambry Variant Classification Scheme 2023. Collection method: clinical testing. Allele origin: germline.

Baylor Genetics
Classification: Uncertain significance for COG7 congenital disorder of glycosylation. Last evaluated: 2019-01-11. Review status: criteria provided, single submitter. Criteria: ACMG Guidelines, 2015. Collection method: clinical testing. Allele origin: maternal. Affected: yes.
Comment: This variant was determined to be of uncertain significance according to ACMG Guidelines, 2015 [PMID:25741868].

Illumina Laboratory Services, Illumina
Classification: Uncertain significance for COG7 congenital disorder of glycosylation. Last evaluated: 2018-01-12. Review status: criteria provided, single submitter. Criteria: ICSL Variant Classification Criteria 13 December 2019. Collection method: clinical testing. Allele origin: germline.

PreventionGenetics, part of Exact Sciences
Classification: Uncertain significance for COG7-related condition. Last evaluated: 2024-07-02. Review status: no assertion criteria provided. Collection method: clinical testing. Allele origin: germline. Not counted in ClinVar's aggregate classification.
Comment: The COG7 c.86C>T variant is predicted to result in the amino acid substitution p.Ala29Val. To our knowledge, this variant has not been reported in the literature. This variant is reported in 0.058% of alleles in individuals of Ashkenazi Jewish descent in gnomAD. Although we suspect that this variant may be benign, at this time, the clinical significance is uncertain due to the absence of conclusive functional and genetic evidence.

NM_153603.4(COG7):c.86C>T (p.Ala29Val)

Genes: COG7 (component of oligomeric golgi complex 7; minus strand), LOC130058658 (ATAC-STARR-seq lymphoblastoid active region 10580; plus strand). Cytogenetic location: 16p12.2.
Variant type: single nucleotide variant.
Coding change: c.86C>T on transcript NM_153603.4 (MANE Select); coding-DNA position 86, C replaced by T.
Protein change: p.Ala29Val; replaces alanine 29 with valine.
Molecular consequence: missense variant.
Genome position (GRCh38, 1-based): chr16:23,452,909, G>A on the plus strand (C>T on the coding strand, the complement: COG7 is on the minus strand). VCF-style: chr16-23452909-G-A. GRCh37 (hg19) VCF-style: chr16-23464230-G-A.
Other names: p.Ala29Val; short protein forms A29V.
Identifiers: ClinVar variation 318494 (VCV000318494.15), dbSNP rs146918812, ClinGen allele CA7961423.
Genomic context (GRCh38, chr16:23,452,909, plus strand): 5'-TGGATGAACAGCTGCAGCTTCATCACCAGGGTGGCTGCGTGGCCATCCGCCTTCCCGGAC[G>A]CCGCCTCCTTGGAGCCGGCCCTGAAGGCCGCATTGATCCACTCCTTCACGTCGAAGTCGT-3'
Protein context (NP_705831.1, residues 19-39): AAFRAGSKEA[Ala29Val]SGKADGHAAT